The following is an entry in ClinVar:

ClinVar aggregate classification (germline): Likely benign (1 of 4 stars; one submission).

Allele frequency attached by ClinVar (database versions not stated): ESP Exome Variant Server 0.00054; TOPMed 0.00071; gnomAD exomes 0.00111; gnomAD 0.00117; ExAC 0.00147.
gnomAD v4.1: 1,789 of 1,608,366 alleles (0.11%); highest among the groups gnomAD compares: Non-Finnish European, 0.12%; 6 homozygotes.

Submission:

CeGaT Center for Human Genetics Tuebingen
Classification: Likely benign. Last evaluated: 2022-03-01. Review status: criteria provided, single submitter. Criteria: CeGaT Center For Human Genetics Tuebingen Variant Classification Criteria Version 2. Collection method: clinical testing. Allele origin: germline. Affected: yes. Observed: 1 variant allele.
Comment: DNAH3: BP4, BP7

NM_001347886.2(DNAH3):c.5895T>C (p.Tyr1965=)

Gene: DNAH3 (dynein axonemal heavy chain 3; minus strand). Cytogenetic location: 16p12.3.
Variant type: single nucleotide variant.
Coding change: c.5895T>C on transcript NM_001347886.2 (MANE Select); coding-DNA position 5895, T replaced by C.
Protein change: p.Tyr1965=; no amino-acid change (tyrosine 1965 retained).
Molecular consequence: synonymous variant.
Genome position (GRCh38, 1-based): chr16:21,003,197, A>G on the plus strand (T>C on the coding strand, the complement: DNAH3 is on the minus strand). VCF-style: chr16-21003197-A-G. GRCh37 (hg19) VCF-style: chr16-21014519-A-G.
Other names: c.6033T>C, p.Tyr2011= (NM_017539.2).
Identifiers: ClinVar variation 2646296 (VCV002646296.24), dbSNP rs139719326, ClinGen allele CA7947231.